The following is an entry in ClinVar:

ClinVar aggregate classification (germline): Conflicting classifications of pathogenicity. Review status: criteria provided, conflicting classifications (1 of 4 stars). 2 submissions from 2 submitters: Uncertain significance (1); Likely benign (1). Last evaluated 2023-08-15.

Conditions:
Arrhythmogenic right ventricular dysplasia 10. Also called: ARRHYTHMOGENIC RIGHT VENTRICULAR DYSPLASIA, FAMILIAL, 10; Arrhythmogenic Right Ventricular Dysplasia/Cardiomyopathy10; Arrhythmogenic right ventricular dysplasia/cardiomyopathy, type 10. Identifiers: MedGen C1857777, MONDO:0012434, OMIM 610193.
Arrhythmogenic right ventricular cardiomyopathy (ARVD). Also called: Arrhythmogenic right ventricular dysplasia; Cardiomyopathy, ARVC; Arrhythmogenic cardiomyopathy; Arrhythmogenic Right Ventricular Cardiomyopathy (ARVC). Identifiers: Orphanet 247, MedGen C0349788, MeSH D019571, MONDO:0016587. Disease mechanism: loss of function. Inheritance: Various modes of inheritance.

Allele frequency attached by ClinVar (database versions not stated): gnomAD exomes 0.00001; gnomAD 0.00002; TOPMed 0.00002.
gnomAD v4.1: 21 of 1,610,770 alleles (0.0013%); highest among the groups gnomAD compares: Non-Finnish European, 0.0016%; no homozygotes.

Submissions (2):

All of Us Research Program, National Institutes of Health
Classification: Likely benign for Arrhythmogenic right ventricular cardiomyopathy. Last evaluated: 2023-08-15. Review status: criteria provided, single submitter. Criteria: ACMG Guidelines, 2015. Collection method: clinical testing. Allele origin: germline. Inheritance: Autosomal dominant inheritance. Observed: 2 variant alleles, 2 heterozygotes.
Comment: This study involves interpretation of variants in research participants for the purpose of population health screening. Participant phenotype was not available at the time of variant classification. Additional details can be found in publication PMID: 35346344, PMCID: PMC8962531

Labcorp Genetics (formerly Invitae), Labcorp
Classification: Uncertain significance for Arrhythmogenic right ventricular dysplasia 10. Last evaluated: 2022-04-04. Review status: criteria provided, single submitter. Criteria: Invitae Variant Classification Sherloc (09022015). Collection method: clinical testing. Allele origin: germline.
Comment: This sequence change affects codon 453 of the DSG2 mRNA. It is a 'silent' change, meaning that it does not change the encoded amino acid sequence of the DSG2 protein. This variant is present in population databases (no rsID available, gnomAD 0.01%). This variant has not been reported in the literature in individuals affected with DSG2-related conditions. Algorithms developed to predict the effect of sequence changes on RNA splicing suggest that this variant may disrupt the consensus splice site. In summary, the available evidence is currently insufficient to determine the role of this variant in disease. Therefore, it has been classified as a Variant of Uncertain Significance.

NM_001943.5(DSG2):c.1359T>G (p.Pro453=)

Gene: DSG2 (desmoglein 2; plus strand). Cytogenetic location: 18q12.1.
Variant type: single nucleotide variant.
Coding change: c.1359T>G on transcript NM_001943.5 (MANE Select); coding-DNA position 1359, T replaced by G.
Protein change: p.Pro453=; no amino-acid change (proline 453 retained).
Molecular consequence: synonymous variant.
Genome position (GRCh38, 1-based): chr18:31,535,348, T>G. VCF-style: chr18-31535348-T-G. GRCh37 (hg19) VCF-style: chr18-29115311-T-G.
Identifiers: ClinVar variation 2165359 (VCV002165359.5), dbSNP rs948681475, ClinGen allele CA297740536.